The following is an entry in ClinVar:

NM_024675.4(PALB2):c.2514+20_2514+21del

Gene: PALB2 (partner and localizer of BRCA2; minus strand). Cytogenetic location: 16p12.2.
Variant type: Microsatellite.
Coding change: c.2514+20_2514+21del on transcript NM_024675.4 (MANE Select); bases 20 to 21 of the intron after coding-DNA position 2514, 2 bases deleted (TG; older notation c.2514+20_2514+21delTG).
Molecular consequence: intron variant.
Genome position (GRCh38, 1-based): chr16:23,629,619-23,629,620, CA deleted on the plus strand (TG on the coding strand, the reverse complement: PALB2 is on the minus strand); deleting any 2 consecutive bases within chr16:23,629,619-23,629,622 gives the same sequence; the c. name uses the placement nearest the transcript's 3' end. VCF-style (leftmost placement, unchanged base first): chr16-23629618-TCA-T. GRCh37 (hg19) VCF-style: chr16-23640939-TCA-T.
Other names: c.2514+20_2514+21delTG (NM_024675.3).
Identifiers: ClinVar variation 418397 (VCV000418397.14), dbSNP rs750567675, ClinGen allele CA7963562.
Genomic context (GRCh38, chr16:23,629,618, plus strand): 5'-TGCGCAAGCAAGTCATGCTGTTTACATTCACTAAGGCATTTCATTCCTTCAGAGAAAATT[TCA>T]CAGAGGAAATGGATTGTACCTGTTCGACGGAATGTTTATGCAGCTCCTGGCATGTGTTTC-3'

ClinVar aggregate classification (germline): Likely benign. Review status: criteria provided, multiple submitters, no conflicts (2 of 4 stars). 5 submissions from 5 submitters: Likely benign (4). 1 of the submissions does not count toward it. Last evaluated 2025-11-22.

Conditions:
Familial cancer of breast. Also called: BREAST CANCER, FAMILIAL; hereditary breast carcinoma; Hereditary breast cancer. Identifiers: Orphanet 227535, MedGen C0346153, MONDO:0016419, OMIM 114480. Disease mechanism: loss of function.
Hereditary cancer-predisposing syndrome. Also called: Tumor predisposition; Hereditary Cancer Syndrome; Hereditary neoplastic syndrome; Neoplastic Syndromes, Hereditary. Identifiers: Orphanet 140162, MedGen C0027672, MeSH D009386, MONDO:0015356.

Submissions (5):

Labcorp Genetics (formerly Invitae), Labcorp
Classification: Likely benign for Familial cancer of breast. Last evaluated: 2025-11-22. Review status: criteria provided, single submitter. Criteria: Invitae Variant Classification Sherloc (09022015). Collection method: clinical testing. Allele origin: germline.

Blueprint Genetics
Classification: Likely benign. Last evaluated: 2024-03-21. Review status: criteria provided, single submitter. Criteria: ACMG Guidelines, 2015. Collection method: clinical testing. Allele origin: germline.

GeneDx
Classification: Likely benign. Last evaluated: 2016-06-13. Review status: criteria provided, single submitter. Criteria: GeneDx Variant Classification (06012015). Collection method: clinical testing. Allele origin: germline. Affected: yes.
Comment: This variant is considered likely benign or benign based on one or more of the following criteria: it is a conservative change, it occurs at a poorly conserved position in the protein, it is predicted to be benign by multiple in silico algorithms, and/or has population frequency not consistent with disease.

Color Diagnostics, LLC DBA Color Health
Classification: Likely benign for Hereditary cancer-predisposing syndrome. Last evaluated: 2016-04-27. Review status: criteria provided, single submitter. Criteria: ACMG Guidelines, 2015. Collection method: clinical testing. Allele origin: germline.

Counsyl
Classification: Likely benign for Familial cancer of breast. Last evaluated: 2018-06-05. Review status: no assertion criteria provided. Collection method: clinical testing. Allele origin: unknown. Not counted in ClinVar's aggregate classification.